The following is an entry in ClinVar:

ClinVar aggregate classification (germline): Uncertain significance (1 of 4 stars; one submission).

Conditions:
Trichorhinophalangeal syndrome, type III (TRPS3). Also called: SUGIO-KAJII SYNDROME. Identifiers: Orphanet 77258, MedGen C1860823, OMIM 190351, MONDO:0008597.
Trichorhinophalangeal dysplasia type I (TRPS1). Also called: TRICHORHINOPHALANGEAL SYNDROME, TYPE I; TRPS I. Identifiers: Orphanet 77258, MedGen C0432233, MONDO:0008596, OMIM 190350.

Submission:

Labcorp Genetics (formerly Invitae), Labcorp
Classification: Uncertain significance for Trichorhinophalangeal syndrome, type III; Trichorhinophalangeal dysplasia type I. Last evaluated: 2022-08-31. Review status: criteria provided, single submitter. Criteria: Invitae Variant Classification Sherloc (09022015). Collection method: clinical testing. Allele origin: germline.
Comment: This sequence change replaces serine, which is neutral and polar, with asparagine, which is neutral and polar, at codon 703 of the TRPS1 protein (p.Ser703Asn). This variant is not present in population databases (gnomAD no frequency). This variant has not been reported in the literature in individuals affected with TRPS1-related conditions. Algorithms developed to predict the effect of missense changes on protein structure and function output the following: SIFT: "Tolerated"; PolyPhen-2: "Benign"; Align-GVGD: "Class C0". The asparagine amino acid residue is found in multiple mammalian species, which suggests that this missense change does not adversely affect protein function. In summary, the available evidence is currently insufficient to determine the role of this variant in disease. Therefore, it has been classified as a Variant of Uncertain Significance.

NM_014112.5(TRPS1):c.2108G>A (p.Ser703Asn)

Gene: TRPS1 (transcriptional repressor GATA binding 1; minus strand). Cytogenetic location: 8q23.3.
Variant type: single nucleotide variant.
Coding change: c.2108G>A on transcript NM_014112.5 (MANE Select); coding-DNA position 2108, G replaced by A.
Protein change: p.Ser703Asn; replaces serine 703 with asparagine.
Molecular consequence: missense variant.
Genome position (GRCh38, 1-based): chr8:115,587,593, C>T on the plus strand (G>A on the coding strand, the complement: TRPS1 is on the minus strand). VCF-style: chr8-115587593-C-T. GRCh37 (hg19) VCF-style: chr8-116599820-C-T.
Other names: c.2081G>A, p.Ser694Asn (NM_001282902.3); c.2087G>A, p.Ser696Asn (NM_001282903.3); c.2069G>A, p.Ser690Asn (NM_001330599.2); short protein forms S690N, S694N, S696N, S703N.
Identifiers: ClinVar variation 1718456 (VCV001718456.5), dbSNP rs1817595818, ClinGen allele CA372065856.